The following is an entry in ClinVar:

ClinVar aggregate classification (germline): Uncertain significance (1 of 4 stars; one submission).

Submission:

Labcorp Genetics (formerly Invitae), Labcorp
Classification: Uncertain significance. Last evaluated: 2022-08-10. Review status: criteria provided, single submitter. Criteria: Invitae Variant Classification Sherloc (09022015). Collection method: clinical testing. Allele origin: germline.
Comment: This sequence change replaces glutamic acid, which is acidic and polar, with glycine, which is neutral and non-polar, at codon 1655 of the MYO5B protein (p.Glu1655Gly). In summary, the available evidence is currently insufficient to determine the role of this variant in disease. Therefore, it has been classified as a Variant of Uncertain Significance. Algorithms developed to predict the effect of missense changes on protein structure and function are either unavailable or do not agree on the potential impact of this missense change (SIFT: "Deleterious"; PolyPhen-2: "Benign"; Align-GVGD: "Class C0"). ClinVar contains an entry for this variant (Variation ID: 1349461). This variant has not been reported in the literature in individuals affected with MYO5B-related conditions. This variant is not present in population databases (gnomAD no frequency).

NM_001080467.3(MYO5B):c.4964A>G (p.Glu1655Gly)

Genes: MYO5B (myosin VB; minus strand), SNHG22 (small nucleolar RNA host gene 22; plus strand). Cytogenetic location: 18q21.1.
Variant type: single nucleotide variant.
Coding change: c.4964A>G on transcript NM_001080467.3 (MANE Select); coding-DNA position 4964, A replaced by G.
Protein change: p.Glu1655Gly; replaces glutamic acid 1655 with glycine.
Molecular consequence: missense variant.
Genome position (GRCh38, 1-based): chr18:49,837,691, T>C on the plus strand (A>G on the coding strand, the complement: MYO5B is on the minus strand). VCF-style: chr18-49837691-T-C. GRCh37 (hg19) VCF-style: chr18-47364061-T-C.
Other names: short protein forms E1655G.
Identifiers: ClinVar variation 1349461 (VCV001349461.8), dbSNP rs2144032376, ClinGen allele CA402422004.